The following is an entry in ClinVar:

ClinVar aggregate classification (germline): Uncertain significance (1 of 4 stars; one submission).

Submission:

Labcorp Genetics (formerly Invitae), Labcorp
Classification: Uncertain significance. Last evaluated: 2021-08-12. Review status: criteria provided, single submitter. Criteria: Invitae Variant Classification Sherloc (09022015). Collection method: clinical testing. Allele origin: germline.
Comment: This sequence change replaces arginine with tryptophan at codon 168 of the ZNF469 protein (p.Arg168Trp). The arginine residue is weakly conserved and there is a moderate physicochemical difference between arginine and tryptophan. The frequency data for this variant in the population databases is considered unreliable, as metrics indicate insufficient coverage at this position in the ExAC database. This variant has not been reported in the literature in individuals affected with ZNF469-related conditions. Algorithms developed to predict the effect of missense changes on protein structure and function are either unavailable or do not agree on the potential impact of this missense change (SIFT: "Deleterious"; PolyPhen-2: "Benign"; Align-GVGD: "Class C0"). In summary, the available evidence is currently insufficient to determine the role of this variant in disease. Therefore, it has been classified as a Variant of Uncertain Significance.

NM_001367624.2(ZNF469):c.502A>T (p.Arg168Trp)

Gene: ZNF469 (zinc finger protein 469; plus strand). Cytogenetic location: 16q24.2.
Variant type: single nucleotide variant.
Coding change: c.502A>T on transcript NM_001367624.2 (MANE Select); coding-DNA position 502, A replaced by T.
Protein change: p.Arg168Trp; replaces arginine 168 with tryptophan.
Molecular consequence: missense variant.
Genome position (GRCh38, 1-based): chr16:88,427,972, A>T. VCF-style: chr16-88427972-A-T. GRCh37 (hg19) VCF-style: chr16-88494380-A-T.
Other names: short protein forms R168W.
Identifiers: ClinVar variation 1512157 (VCV001512157.3), dbSNP rs2142297474, ClinGen allele CA397060307.